The following is an entry in ClinVar:

NM_001267550.2(TTN):c.752A>G (p.His251Arg)

Gene: TTN (titin; minus strand). Cytogenetic location: 2q31.2.
Variant type: single nucleotide variant.
Coding change: c.752A>G on transcript NM_001267550.2 (MANE Select); coding-DNA position 752, A replaced by G.
Protein change: p.His251Arg; replaces histidine 251 with arginine.
Molecular consequence: missense variant.
Genome position (GRCh38, 1-based): chr2:178,799,649, T>C on the plus strand (A>G on the coding strand, the complement: TTN is on the minus strand). VCF-style: chr2-178799649-T-C. GRCh37 (hg19) VCF-style: chr2-179664376-T-C.
Other names: c.752A>G, p.His251Arg (NM_001256850.1, NM_003319.4, NM_133378.4 and 3 more transcripts); short protein forms H251R.
Identifiers: ClinVar variation 155844 (VCV000155844.11), dbSNP rs587782983, ClinGen allele CA345891.
Genomic context (GRCh38, chr2:178,799,649, plus strand): 5'-ATAGACGGTGGTGTTGGGGATCTTGACTTTGGCTTCGGAGGAATCCTGGGAGGTGTTTTA[T>C]GTGGCAGCTGTTGCCCAGCGGCACCATCTATGACCATCTCAACTGTTGCAATTGATCTGG-3'
Protein context (NP_001254479.2, residues 241-261): IDGAAGQQLP[His251Arg]KTPPRIPPKP

ClinVar aggregate classification (germline): Conflicting classifications of pathogenicity. Review status: criteria provided, conflicting classifications (1 of 4 stars). 6 submissions from 6 submitters: Uncertain significance (5); Likely benign (1). Last evaluated 2025-04-08.

Conditions:
Cardiovascular phenotype. Identifiers: MedGen CN230736.
TTN-related disorder. Also called: TTN-related condition; TTN-related disease; TTN-related disorders.
Early-onset myopathy with fatal cardiomyopathy (CMYO5). Also called: Salih Myopathy; CONGENITAL MYOPATHY 5 WITH CARDIOMYOPATHY. Identifiers: Orphanet 289377, MedGen C2673677, MONDO:0012714, OMIM 611705. Disease mechanism: loss of function.
Dilated cardiomyopathy 1G (CMD1G). Identifiers: Orphanet 154, MedGen C1858763, MONDO:0011400, OMIM 604145.
Autosomal recessive limb-girdle muscular dystrophy type 2J (LGMDR10). Also called: Limb-girdle muscular dystrophy, type 2J; MUSCULAR DYSTROPHY, LIMB-GIRDLE, AUTOSOMAL RECESSIVE 10. Identifiers: Orphanet 140922, MedGen C1837342, MONDO:0012127, OMIM 608807.
Hypertrophic cardiomyopathy 9. Also called: Familial hypertrophic cardiomyopathy 9. Identifiers: MedGen C1861065, MONDO:0013412, OMIM 613765.
Tibial muscular dystrophy (TMD). Also called: UDD MYOPATHY; Tibial muscular dystrophy, tardive; Udd Distal Myopathy – Tibial Muscular Dystrophy. Identifiers: Orphanet 609, MedGen C1838244, MONDO:0010870, OMIM 600334.
Myopathy, myofibrillar, 9, with early respiratory failure (MFM9). Also called: Hereditary myopathy with early respiratory failure; MYOPATHY, PROXIMAL, WITH EARLY RESPIRATORY MUSCLE INVOLVEMENT; Myopathy, distal, with early respiratory failure, autosomal dominant; EDSTROM MYOPATHY. Identifiers: Orphanet 178464, Orphanet 34521, MedGen C1863599, MONDO:0011362, OMIM 603689.
Cardiomyopathy (CMYO). Also called: Cardiomyopathies. Identifiers: Orphanet 167848, MedGen C0878544, MONDO:0004994, HP:0001638. Inheritance: Various modes of inheritance.

Allele frequency attached by ClinVar (database versions not stated): gnomAD 0.00001; TOPMed 0.00002; ExAC 0.00003.
gnomAD v4.1: 33 of 1,614,034 alleles (0.002%); highest among the groups gnomAD compares: Middle Eastern, 0.016%; no homozygotes.

Submissions (6):

PreventionGenetics, part of Exact Sciences
Classification: Uncertain significance for TTN-related condition. Last evaluated: 2025-04-08. Review status: criteria provided, single submitter. Criteria: ACMG Guidelines, 2015. Collection method: clinical testing. Allele origin: germline.
Comment: The TTN c.752A>G variant is predicted to result in the amino acid substitution p.His251Arg. To our knowledge, this variant has not been reported in the literature. This variant is reported in 0.0065% of alleles in individuals of South Asian descent in gnomAD. At this time, the clinical significance of this variant is uncertain due to the absence of conclusive functional and genetic evidence.

Blueprint Genetics
Classification: Likely benign. Last evaluated: 2023-07-10. Review status: criteria provided, single submitter. Criteria: ACMG Guidelines, 2015. Collection method: clinical testing. Allele origin: germline.

CHEO Genetics Diagnostic Laboratory, Children's Hospital of Eastern Ontario
Classification: Uncertain significance for Cardiomyopathy. Last evaluated: 2021-11-26. Review status: criteria provided, single submitter. Criteria: ACMG Guidelines, 2015. Collection method: clinical testing. Allele origin: germline.

Fulgent Genetics
Classification: Uncertain significance for Tibial muscular dystrophy; Myopathy, myofibrillar, 9, with early respiratory failure; Dilated cardiomyopathy 1G; Autosomal recessive limb-girdle muscular dystrophy type 2J; Early-onset myopathy with fatal cardiomyopathy; Hypertrophic cardiomyopathy 9. Last evaluated: 2021-09-15. Review status: criteria provided, single submitter. Criteria: ACMG Guidelines, 2015. Collection method: clinical testing. Allele origin: unknown.

Revvity Omics, Revvity
Classification: Uncertain significance. Last evaluated: 2019-11-08. Review status: criteria provided, single submitter. Criteria: ACMG Guidelines, 2015. Collection method: clinical testing. Allele origin: germline.

Ambry Genetics
Classification: Uncertain significance for Cardiovascular phenotype. Last evaluated: 2019-07-27. Review status: criteria provided, single submitter. Criteria: Ambry Variant Classification Scheme 2023. Collection method: clinical testing. Allele origin: germline.
Comment: The p.H251R variant (also known as c.752A>G), located in coding exon 5 of the TTN gene, results from an A to G substitution at nucleotide position 752. The histidine at codon 251 is replaced by arginine, an amino acid with highly similar properties. This amino acid position is highly conserved in available vertebrate species. In addition, the in silico prediction for this alteration is inconclusive. Since supporting evidence is limited at this time, the clinical significance of this alteration remains unclear.